The following is an entry in ClinVar:

ClinVar aggregate classification (germline): Pathogenic/Likely pathogenic. Review status: criteria provided, multiple submitters, no conflicts (2 of 4 stars). 3 submissions from 3 submitters: Pathogenic (1); Likely pathogenic (1). 1 of the submissions does not count toward it. Last evaluated 2024-12-31.

Conditions:
Cardiovascular phenotype. Identifiers: MedGen CN230736.
DK1-congenital disorder of glycosylation. Also called: CONGENITAL DISORDER OF GLYCOSYLATION, TYPE Im; DK1 DEFICIENCY; DOLICHOL KINASE DEFICIENCY; CDG Im; DOLK-congenital disorder of glycosylation; Carbohydrate deficient glycoprotein syndrome type 1m. Identifiers: Orphanet 91131, MedGen C1835849, MONDO:0012556, OMIM 610768.

Submissions (3):

Ambry Genetics
Classification: Pathogenic for Cardiovascular phenotype. Last evaluated: 2024-12-31. Review status: criteria provided, single submitter. Criteria: Ambry Variant Classification Scheme 2023. Collection method: clinical testing. Allele origin: germline.
Comment: The p.M1? pathogenic mutation (also known as c.2T>C) is located in coding exon 1 of the DOLK gene and results from a T to C substitution at nucleotide position 2. This alters the methionine residue at the initiation codon (ATG). This variant has been identified in the homozygous state and/or in conjunction with other DOLK variant(s) in individual(s) with features consistent with DOLK-related congenital disorder of glycosylation (Helander A et al. Mol Genet Metab. 2013 Nov;110(3):342-4). This variant is considered to be rare based on population cohorts in the Genome Aggregation Database (gnomAD). In addition to the clinical data presented in the literature, sequence variations that modify the initiation codon are expected to result in either loss of translation initiation, N-terminal truncation, or cause a shift in the mRNA reading frame. Based on the supporting evidence, this alteration is interpreted as a disease-causing mutation.

Genetic Services Laboratory, University of Chicago
Classification: Likely pathogenic. Last evaluated: 2018-02-28. Review status: criteria provided, single submitter. Criteria: ACMG Guidelines, 2015. Collection method: clinical testing. Allele origin: germline. Affected: yes.

OMIM
Classification: Pathogenic for CONGENITAL DISORDER OF GLYCOSYLATION, TYPE Im. Last evaluated: 2013-11-01. Review status: no assertion criteria provided. Collection method: literature only. Allele origin: germline. Not counted in ClinVar's aggregate classification.

Literature cited by the submitters: PubMed 22242004 (cited by Ambry Genetics); PubMed 23890587 (cited by Ambry Genetics and OMIM).

NM_014908.4(DOLK):c.2T>C (p.Met1Thr)

Gene: DOLK (dolichol kinase; minus strand). Cytogenetic location: 9q34.11.
Variant type: single nucleotide variant.
Coding change: c.2T>C on transcript NM_014908.4 (MANE Select); coding-DNA position 2, T replaced by C.
Protein change: p.Met1Thr; changes the start codon (methionine 1).
Molecular consequence: missense variant, initiator codon variant.
Genome position (GRCh38, 1-based): chr9:128,947,302, A>G on the plus strand (T>C on the coding strand, the complement: DOLK is on the minus strand). VCF-style: chr9-128947302-A-G. GRCh37 (hg19) VCF-style: chr9-131709581-A-G.
Other names: short protein forms M1T.
Identifiers: ClinVar variation 100664 (VCV000100664.9), dbSNP rs587777137, ClinGen allele CA267580.